The following is an entry in ClinVar:

NM_017636.4(TRPM4):c.3562dup (p.Trp1188fs)

Gene: TRPM4 (transient receptor potential cation channel subfamily M member 4; plus strand). Cytogenetic location: 19q13.33.
Variant type: Duplication.
Coding change: c.3562dup on transcript NM_017636.4 (MANE Select); coding-DNA position 3562, one base duplicated (T; older notation c.3562dupT).
Protein change: p.Trp1188fs; shifts the reading frame from tryptophan 1188.
Molecular consequence: frameshift variant.
Genome position (GRCh38, 1-based): chr19:49,211,191, T duplicated. VCF-style (leftmost placement, unchanged base first): chr19-49211190-G-GT. GRCh37 (hg19) VCF-style: chr19-49714447-G-GT.
Other names: c.3127dup, p.Trp1043fs (NM_001195227.2); c.3217dup, p.Trp1073fs (NM_001321281.2); c.1954dup, p.Trp652fs (NM_001321282.2); c.3040dup, p.Trp1014fs (NM_001321283.2); c.2500dup, p.Trp834fs (NM_001321285.2); short protein forms W652fs, W1014fs, W1043fs, W1073fs, W1188fs, W834fs.
Identifiers: ClinVar variation 2168992 (VCV002168992.4), dbSNP rs2514245077, ClinGen allele CA2580097546.

ClinVar aggregate classification (germline): Uncertain significance (1 of 4 stars; one submission).

Conditions:
Progressive familial heart block type IB (PFHB1B). Identifiers: Orphanet 871, MedGen C1970298, MONDO:0011474, OMIM 604559.

Submission:

Labcorp Genetics (formerly Invitae), Labcorp
Classification: Uncertain significance for Progressive familial heart block type IB. Last evaluated: 2024-08-06. Review status: criteria provided, single submitter. Criteria: Invitae Variant Classification Sherloc (09022015). Collection method: clinical testing. Allele origin: germline.
Comment: This sequence change creates a premature translational stop signal (p.Trp1188Leufs*21) in the TRPM4 gene. While this is not anticipated to result in nonsense mediated decay, it is expected to disrupt the last 27 amino acid(s) of the TRPM4 protein. This variant is not present in population databases (gnomAD no frequency). This variant has not been reported in the literature in individuals affected with TRPM4-related conditions. ClinVar contains an entry for this variant (Variation ID: 2168992). In summary, the available evidence is currently insufficient to determine the role of this variant in disease. Therefore, it has been classified as a Variant of Uncertain Significance.